The following is an entry in ClinVar:

ClinVar aggregate classification (germline): Uncertain significance. Review status: criteria provided, multiple submitters, no conflicts (2 of 4 stars). 2 submissions from 2 submitters: Uncertain significance (2). Last evaluated 2025-09-29.

gnomAD v4.1: 4 of 1,612,776 alleles (0.00025%); highest among the groups gnomAD compares: East Asian, 0.0067%; no homozygotes.

Submissions (2):

Labcorp Genetics (formerly Invitae), Labcorp
Classification: Uncertain significance. Last evaluated: 2025-09-29. Review status: criteria provided, single submitter. Criteria: Invitae Variant Classification Sherloc (09022015). Collection method: clinical testing. Allele origin: germline.
Comment: This sequence change replaces histidine, which is basic and polar, with glutamine, which is neutral and polar, at codon 1711 of the ABCA4 protein (p.His1711Gln). This variant is present in population databases (rs560385739, gnomAD 0.006%). This variant has not been reported in the literature in individuals affected with ABCA4-related conditions. Invitae Evidence Modeling of protein sequence and biophysical properties (such as structural, functional, and spatial information, amino acid conservation, physicochemical variation, residue mobility, and thermodynamic stability) indicates that this missense variant is expected to disrupt ABCA4 protein function with a positive predictive value of 80%. In summary, the available evidence is currently insufficient to determine the role of this variant in disease. Therefore, it has been classified as a Variant of Uncertain Significance.

Blueprint Genetics
Classification: Uncertain significance. Last evaluated: 2021-06-28. Review status: criteria provided, single submitter. Criteria: ACMG Guidelines, 2015. Collection method: clinical testing. Allele origin: germline.

NM_000350.3(ABCA4):c.5133C>A (p.His1711Gln)

Gene: ABCA4 (ATP binding cassette subfamily A member 4; minus strand). Cytogenetic location: 1p22.1.
Variant type: single nucleotide variant.
Coding change: c.5133C>A on transcript NM_000350.3 (MANE Select); coding-DNA position 5133, C replaced by A.
Protein change: p.His1711Gln; replaces histidine 1711 with glutamine.
Molecular consequence: missense variant.
Genome position (GRCh38, 1-based): chr1:94,019,645, G>T on the plus strand (C>A on the coding strand, the complement: ABCA4 is on the minus strand). VCF-style: chr1-94019645-G-T. GRCh37 (hg19) VCF-style: chr1-94485201-G-T.
Other names: c.4911C>A, p.His1637Gln (NM_001425324.1); short protein forms H1637Q, H1711Q.
Identifiers: ClinVar variation 4697281 (VCV004697281.2).